The following is an entry in ClinVar:

NM_000313.4(PROS1):c.1324A>G (p.Ile442Val)

Gene: PROS1 (protein S; minus strand). Cytogenetic location: 3q11.1.
Variant type: single nucleotide variant.
Coding change: c.1324A>G on transcript NM_000313.4 (MANE Select); coding-DNA position 1324, A replaced by G.
Protein change: p.Ile442Val; replaces isoleucine 442 with valine.
Molecular consequence: missense variant.
Genome position (GRCh38, 1-based): chr3:93,884,896, T>C on the plus strand (A>G on the coding strand, the complement: PROS1 is on the minus strand). VCF-style: chr3-93884896-T-C. GRCh37 (hg19) VCF-style: chr3-93603740-T-C.
Other names: c.1420A>G, p.Ile474Val (NM_001314077.2); c.1324A>G (NM_000313.3); short protein forms I442V, I474V.
Identifiers: ClinVar variation 1055351 (VCV001055351.8), dbSNP rs768097849, ClinGen allele CA2503204.
Genomic context (GRCh38, chr3:93,884,896, plus strand): 5'-CAGAAGCTCCTTGCTTCATCAAATTCCAGCTTCGTATACATCCATCTAGACGAGGGTTAA[T>C]CTAACAAATTAAAATACAAGTCAAGGAGTGCATTTTAAACTTAAACAGTGGCTCGATTAT-3'
Protein context (NP_000304.2, residues 432-452): RKVESELIKP[Ile442Val]NPRLDGCIRS

ClinVar aggregate classification (germline): Uncertain significance. Review status: criteria provided, multiple submitters, no conflicts (2 of 4 stars). 3 submissions from 3 submitters: Uncertain significance (3). Last evaluated 2026-02-01.

Conditions:
PROS1-related disorder. Also called: PROS1-related condition.
Thrombophilia due to protein S deficiency, autosomal recessive (THPH6). Identifiers: Orphanet 743, MedGen C3281092, MONDO:0013791, OMIM 614514. Disease mechanism: loss of function.
Inborn genetic diseases. Identifiers: MedGen C0950123, MeSH D030342.

Allele frequency attached by ClinVar (database versions not stated): gnomAD exomes 0.00001 and 0.00005; ExAC 0.00005; gnomAD 0.00017; TOPMed 0.00017.
gnomAD v4.1: 43 of 1,611,744 alleles (0.0027%); highest among the groups gnomAD compares: African/African-American, 0.049%; no homozygotes.

Submissions (3):

Labcorp Genetics (formerly Invitae), Labcorp
Classification: Uncertain significance for Thrombophilia due to protein S deficiency, autosomal recessive. Last evaluated: 2026-02-01. Review status: criteria provided, single submitter. Criteria: Invitae Variant Classification Sherloc (09022015). Collection method: clinical testing. Allele origin: germline.
Comment: This sequence change replaces isoleucine, which is neutral and non-polar, with valine, which is neutral and non-polar, at codon 442 of the PROS1 protein (p.Ile442Val). This variant is present in population databases (rs768097849, gnomAD 0.07%). This variant has not been reported in the literature in individuals affected with PROS1-related conditions. ClinVar contains an entry for this variant (Variation ID: 1055351). An algorithm developed to predict the effect of missense changes on protein structure and function (PolyPhen-2) suggests that this variant is likely to be disruptive. In summary, the available evidence is currently insufficient to determine the role of this variant in disease. Therefore, it has been classified as a Variant of Uncertain Significance.

PreventionGenetics, part of Exact Sciences
Classification: Uncertain significance for PROS1-related condition. Last evaluated: 2023-06-16. Review status: criteria provided, single submitter. Criteria: ACMG Guidelines, 2015. Collection method: clinical testing. Allele origin: germline.
Comment: The PROS1 c.1324A>G variant is predicted to result in the amino acid substitution p.Ile442Val. To our knowledge, this variant has not been reported in the literature. This variant is reported in 0.069% of alleles in individuals of African descent in gnomAD. At this time, the clinical significance of this variant is uncertain due to the absence of conclusive functional and genetic evidence.

Ambry Genetics
Classification: Uncertain significance for Inborn genetic diseases. Last evaluated: 2021-06-11. Review status: criteria provided, single submitter. Criteria: Ambry Variant Classification Scheme 2023. Collection method: clinical testing. Allele origin: germline.